The following is an entry in ClinVar:

NM_182914.3(SYNE2):c.10711G>C (p.Val3571Leu)

Gene: SYNE2 (spectrin repeat containing nuclear envelope protein 2; plus strand). Cytogenetic location: 14q23.2.
Variant type: single nucleotide variant.
Coding change: c.10711G>C on transcript NM_182914.3 (MANE Select); coding-DNA position 10711, G replaced by C.
Protein change: p.Val3571Leu; replaces valine 3571 with leucine.
Molecular consequence: missense variant.
Genome position (GRCh38, 1-based): chr14:64,073,981, G>C. VCF-style: chr14-64073981-G-C. GRCh37 (hg19) VCF-style: chr14-64540699-G-C.
Other names: c.10711G>C, p.Val3571Leu (NM_015180.6); short protein forms V3571L.
Identifiers: ClinVar variation 1063478 (VCV001063478.9), dbSNP rs2097435549, ClinGen allele CA389937240.

ClinVar aggregate classification (germline): Uncertain significance (1 of 4 stars; one submission).

Conditions:
Emery-Dreifuss muscular dystrophy 5, autosomal dominant (EDMD5). Also called: EMERY-DREIFUSS MUSCULAR DYSTROPHY 5. Identifiers: Orphanet 261, MedGen C2751805, MONDO:0013072, OMIM 612999.

gnomAD v4.1: 1 of 1,614,080 alleles (0.000062%); highest among the groups gnomAD compares: Non-Finnish European, 0.000085%; no homozygotes.

Submission:

Labcorp Genetics (formerly Invitae), Labcorp
Classification: Uncertain significance for Emery-Dreifuss muscular dystrophy 5, autosomal dominant. Last evaluated: 2020-10-19. Review status: criteria provided, single submitter. Criteria: Invitae Variant Classification Sherloc (09022015). Collection method: clinical testing. Allele origin: germline.
Comment: In summary, the available evidence is currently insufficient to determine the role of this variant in disease. Therefore, it has been classified as a Variant of Uncertain Significance. Algorithms developed to predict the effect of missense changes on protein structure and function (SIFT, PolyPhen-2, Align-GVGD) all suggest that this variant is likely to be tolerated, but these predictions have not been confirmed by published functional studies and their clinical significance is uncertain. This variant has not been reported in the literature in individuals with SYNE2-related conditions. This variant is not present in population databases (ExAC no frequency). This sequence change replaces valine with leucine at codon 3571 of the SYNE2 protein (p.Val3571Leu). The valine residue is weakly conserved and there is a small physicochemical difference between valine and leucine.